The following is an entry in ClinVar:

NM_002485.5(NBN):c.994+5T>A

Gene: NBN (nibrin; minus strand). Cytogenetic location: 8q21.3.
Variant type: single nucleotide variant.
Coding change: c.994+5T>A on transcript NM_002485.5 (MANE Select); 5 bases into the intron after coding-DNA position 994, T replaced by A.
Molecular consequence: intron variant.
Genome position (GRCh38, 1-based): chr8:89,964,405, A>T on the plus strand (T>A on the coding strand, the complement: NBN is on the minus strand). VCF-style: chr8-89964405-A-T. GRCh37 (hg19) VCF-style: chr8-90976633-A-T.
Other names: c.748+5T>A (NM_001024688.3).
Identifiers: ClinVar variation 1396281 (VCV001396281.6), dbSNP rs778254433, ClinGen allele CA2573143366.

ClinVar aggregate classification (germline): Uncertain significance (1 of 4 stars; one submission).

Conditions:
Microcephaly, normal intelligence and immunodeficiency (NBS). Also called: SEEMANOVA SYNDROME II; IMMUNODEFICIENCY, MICROCEPHALY, AND CHROMOSOMAL INSTABILITY; Immunodeficiency, microcephaly with normal intelligence; BERLIN BREAKAGE SYNDROME; Nijmegen breakage syndrome; Microcephaly with normal intelligence immunodeficiency and lymphoreticular malignancies. Identifiers: Orphanet 647, MedGen C0398791, MONDO:0009623, OMIM 251260.

Submission:

Labcorp Genetics (formerly Invitae), Labcorp
Classification: Uncertain significance for Microcephaly, normal intelligence and immunodeficiency. Last evaluated: 2020-12-08. Review status: criteria provided, single submitter. Criteria: Invitae Variant Classification Sherloc (09022015). Collection method: clinical testing. Allele origin: germline.
Comment: In summary, the available evidence is currently insufficient to determine the role of this variant in disease. Therefore, it has been classified as a Variant of Uncertain Significance. Nucleotide substitutions within the consensus splice site are a relatively common cause of aberrant splicing (PMID: 17576681, 9536098). Algorithms developed to predict the effect of sequence changes on RNA splicing suggest that this variant is not likely to affect RNA splicing, but this prediction has not been confirmed by published transcriptional studies. This variant has not been reported in the literature in individuals with NBN-related conditions. This variant is not present in population databases (ExAC no frequency). This sequence change falls in intron 8 of the NBN gene. It does not directly change the encoded amino acid sequence of the NBN protein. It affects a nucleotide within the consensus splice site of the intron.

Literature cited by the submitters: PubMed 17576681; PubMed 9536098.